The following is an entry in ClinVar:

ClinVar aggregate classification (germline): Uncertain significance. Review status: criteria provided, multiple submitters, no conflicts (2 of 4 stars). 4 submissions from 4 submitters: Uncertain significance (4). Last evaluated 2025-12-15.

Conditions:
Short stature due to growth hormone secretagogue receptor deficiency (GHDP). Also called: Short stature due to GHSR deficiency. Identifiers: Orphanet 314811, MedGen C5887324, MONDO:0014403, OMIM 615925.
Inborn genetic diseases. Identifiers: MedGen C0950123, MeSH D030342.

Allele frequency attached by ClinVar (database versions not stated): 1000 Genomes Project 0.00020; gnomAD 0.00027 and 0.00029; gnomAD exomes 0.00027; ExAC 0.00029; 1000 Genomes Project 30x 0.00031; TOPMed 0.00032; ESP Exome Variant Server 0.00046.

Submissions (4):

Labcorp Genetics (formerly Invitae), Labcorp
Classification: Uncertain significance. Last evaluated: 2025-12-15. Review status: criteria provided, single submitter. Criteria: Invitae Variant Classification Sherloc (09022015). Collection method: clinical testing. Allele origin: germline.
Comment: This sequence change replaces leucine, which is neutral and non-polar, with valine, which is neutral and non-polar, at codon 42 of the GHSR protein (p.Leu42Val). This variant is present in population databases (rs140224509, gnomAD 0.05%), and has an allele count higher than expected for a pathogenic variant. This variant has not been reported in the literature in individuals affected with GHSR-related conditions. ClinVar contains an entry for this variant (Variation ID: 901380). Invitae Evidence Modeling of protein sequence and biophysical properties (such as structural, functional, and spatial information, amino acid conservation, physicochemical variation, residue mobility, and thermodynamic stability) indicates that this missense variant is not expected to disrupt GHSR protein function with a negative predictive value of 80%. In summary, the available evidence is currently insufficient to determine the role of this variant in disease. Therefore, it has been classified as a Variant of Uncertain Significance.

Clinical Genomics Laboratory, Washington University in St. Louis
Classification: Uncertain significance for Short stature due to growth hormone secretagogue receptor deficiency. Last evaluated: 2025-06-09. Review status: criteria provided, single submitter. Criteria: ACMG Guidelines, 2015. Collection method: clinical testing. Allele origin: germline.
Comment: The GHSR c.124C>G (p.Leu42Val) variant, to our knowledge, has not been reported in the medical literature. This variant is only observed on 74/276,102 alleles in the general population (gnomAD v2.1.1), indicating it is not a common variant. Computational predictors suggest that the variant does not impact GHSR function. This variant has been reported in the ClinVar database as a germline variant of uncertain significance by three submitters. Due to limited information, and based on ACMG/AMP guidelines for variant interpretation (Richards S et al., PMID: 25741868), the clinical significance of this variant is uncertain at this time.

Ambry Genetics
Classification: Uncertain significance for Inborn genetic diseases. Last evaluated: 2021-07-14. Review status: criteria provided, single submitter. Criteria: Ambry Variant Classification Scheme 2023. Collection method: clinical testing. Allele origin: germline.

Illumina Laboratory Services, Illumina
Classification: Uncertain significance for Short stature due to growth hormone secretagogue receptor deficiency. Last evaluated: 2018-01-13. Review status: criteria provided, single submitter. Criteria: ICSL Variant Classification Criteria 13 December 2019. Collection method: clinical testing. Allele origin: germline.

NM_198407.2(GHSR):c.124C>G (p.Leu42Val)

Gene: GHSR (growth hormone secretagogue receptor; minus strand). Cytogenetic location: 3q26.31.
Variant type: single nucleotide variant.
Coding change: c.124C>G on transcript NM_198407.2 (MANE Select); coding-DNA position 124, C replaced by G.
Protein change: p.Leu42Val; replaces leucine 42 with valine.
Molecular consequence: missense variant.
Genome position (GRCh38, 1-based): chr3:172,448,290, G>C on the plus strand (C>G on the coding strand, the complement: GHSR is on the minus strand). VCF-style: chr3-172448290-G-C. GRCh37 (hg19) VCF-style: chr3-172166080-G-C.
Other names: c.124C>G, p.Leu42Val (NM_004122.2); short protein forms L42V.
Identifiers: ClinVar variation 901380 (VCV000901380.11), dbSNP rs140224509, ClinGen allele CA2706529.